The following is an entry in ClinVar:

ClinVar aggregate classification (germline): Uncertain significance. Review status: criteria provided, multiple submitters, no conflicts (2 of 4 stars). 2 submissions from 2 submitters: Uncertain significance (2). Last evaluated 2025-06-11.

Conditions:
Spastic paraplegia. Identifiers: MedGen C0037772, HP:0001258.

Allele frequency attached by ClinVar (database versions not stated): gnomAD 0.00001; gnomAD exomes 0.00001 and 0.00004.

Submissions (2):

Labcorp Genetics (formerly Invitae), Labcorp
Classification: Uncertain significance for Spastic paraplegia. Last evaluated: 2025-06-11. Review status: criteria provided, single submitter. Criteria: Invitae Variant Classification Sherloc (09022015). Collection method: clinical testing. Allele origin: germline.
Comment: This variant, c.546_566dup, results in the insertion of 7 amino acid(s) of the GJC2 protein (p.Ala184_Gly190dup), but otherwise preserves the integrity of the reading frame. This variant is present in population databases (rs758571008, gnomAD 0.004%). This variant has not been reported in the literature in individuals affected with GJC2-related conditions. ClinVar contains an entry for this variant (Variation ID: 1517604). Experimental studies and prediction algorithms are not available or were not evaluated, and the functional significance of this variant is currently unknown. In summary, the available evidence is currently insufficient to determine the role of this variant in disease. Therefore, it has been classified as a Variant of Uncertain Significance.

GeneDx
Classification: Uncertain significance. Last evaluated: 2024-09-05. Review status: criteria provided, single submitter. Criteria: GeneDx Variant Classification Process June 2021. Collection method: clinical testing. Allele origin: germline. Affected: yes.
Comment: Not observed at significant frequency in large population cohorts (gnomAD); In-frame duplication of 7 amino acids in a non-repeat region; Has not been previously published as pathogenic or benign to our knowledge

NM_020435.4(GJC2):c.546_566dup (p.Ala184_Gly190dup)

Gene: GJC2 (gap junction protein gamma 2; plus strand). Cytogenetic location: 1q42.13.
Variant type: Duplication.
Coding change: c.546_566dup on transcript NM_020435.4 (MANE Select); coding-DNA positions 546 to 566, 21 bases duplicated (CGGCGCTGACGGCAAGGCGGC).
Protein change: p.Ala184_Gly190dup.
Molecular consequence: inframe insertion.
Genome position (GRCh38, 1-based): chr1:228,158,304-228,158,324, CGGCGCTGACGGCAAGGCGGC duplicated. VCF-style (leftmost placement, unchanged base first): chr1-228158303-T-TCGGCGCTGACGGCAAGGCGGC. GRCh37 (hg19) VCF-style: chr1-228346004-T-TCGGCGCTGACGGCAAGGCGGC.
Other names: c.546_566dup (NM_020435.3).
Identifiers: ClinVar variation 1517604 (VCV001517604.7), dbSNP rs758571008, ClinGen allele CA1430873.